The following is an entry in ClinVar:

ClinVar aggregate classification (germline): Uncertain significance (1 of 4 stars; one submission).

Conditions:
Niemann-Pick disease, type C1. Also called: NIEMANN-PICK DISEASE, VARIANT TYPE C1; NEUROVISCERAL STORAGE DISEASE WITH VERTICAL SUPRANUCLEAR OPHTHALMOPLEGIA; NIEMANN-PICK DISEASE WITH CHOLESTEROL ESTERIFICATION BLOCK; NIEMANN-PICK DISEASE WITHOUT SPHINGOMYELINASE DEFICIENCY; NIEMANN-PICK DISEASE, CHRONIC NEURONOPATHIC FORM. Identifiers: Orphanet 646, MedGen C3179455, MONDO:0009757, OMIM 257220.

Submission:

Labcorp Genetics (formerly Invitae), Labcorp
Classification: Uncertain significance for Niemann-Pick disease, type C1. Last evaluated: 2022-08-01. Review status: criteria provided, single submitter. Criteria: Invitae Variant Classification Sherloc (09022015). Collection method: clinical testing. Allele origin: germline.
Comment: This sequence change replaces valine, which is neutral and non-polar, with leucine, which is neutral and non-polar, at codon 624 of the NPC1 protein (p.Val624Leu). This variant is not present in population databases (gnomAD no frequency). This variant has not been reported in the literature in individuals affected with NPC1-related conditions. Advanced modeling of protein sequence and biophysical properties (such as structural, functional, and spatial information, amino acid conservation, physicochemical variation, residue mobility, and thermodynamic stability) performed at Invitae indicates that this missense variant is not expected to disrupt NPC1 protein function. In summary, the available evidence is currently insufficient to determine the role of this variant in disease. Therefore, it has been classified as a Variant of Uncertain Significance.

NM_000271.5(NPC1):c.1870G>C (p.Val624Leu)

Gene: NPC1 (NPC intracellular cholesterol transporter 1; minus strand). Cytogenetic location: 18q11.2.
Variant type: single nucleotide variant.
Coding change: c.1870G>C on transcript NM_000271.5 (MANE Select); coding-DNA position 1870, G replaced by C.
Protein change: p.Val624Leu; replaces valine 624 with leucine.
Molecular consequence: missense variant.
Genome position (GRCh38, 1-based): chr18:23,545,037, C>G on the plus strand (G>C on the coding strand, the complement: NPC1 is on the minus strand). VCF-style: chr18-23545037-C-G. GRCh37 (hg19) VCF-style: chr18-21125001-C-G.
Other names: short protein forms V624L.
Identifiers: ClinVar variation 2106214 (VCV002106214.1), dbSNP rs76615690, ClinGen allele CA401772537.